The following is an entry in ClinVar:

ClinVar aggregate classification (germline): Uncertain significance. Review status: criteria provided, multiple submitters, no conflicts (2 of 4 stars). 2 submissions from 2 submitters: Uncertain significance (2). Last evaluated 2024-02-20.

Allele frequency attached by ClinVar (database versions not stated): gnomAD 0.00001; TOPMed 0.00002.
gnomAD v4.1: 52 of 1,613,966 alleles (0.0032%); highest among the groups gnomAD compares: Non-Finnish European, 0.0042%; no homozygotes.

Submissions (2):

Labcorp Genetics (formerly Invitae), Labcorp
Classification: Uncertain significance. Last evaluated: 2024-02-20. Review status: criteria provided, single submitter. Criteria: Invitae Variant Classification Sherloc (09022015). Collection method: clinical testing. Allele origin: germline.
Comment: This sequence change replaces arginine, which is basic and polar, with histidine, which is basic and polar, at codon 148 of the LRRC8A protein (p.Arg148His). This variant is present in population databases (no rsID available, gnomAD 0.003%). This variant has not been reported in the literature in individuals affected with LRRC8A-related conditions. ClinVar contains an entry for this variant (Variation ID: 1926302). An algorithm developed to predict the effect of missense changes on protein structure and function (PolyPhen-2) suggests that this variant is likely to be disruptive. In summary, the available evidence is currently insufficient to determine the role of this variant in disease. Therefore, it has been classified as a Variant of Uncertain Significance.

Ambry Genetics
Classification: Uncertain significance. Last evaluated: 2022-04-07. Review status: criteria provided, single submitter. Criteria: Ambry Variant Classification Scheme 2023. Collection method: clinical testing. Allele origin: germline.

NM_019594.4(LRRC8A):c.443G>A (p.Arg148His)

Gene: LRRC8A (leucine rich repeat containing 8 VRAC subunit A; plus strand). Cytogenetic location: 9q34.11.
Variant type: single nucleotide variant.
Coding change: c.443G>A on transcript NM_019594.4 (MANE Select); coding-DNA position 443, G replaced by A.
Protein change: p.Arg148His; replaces arginine 148 with histidine.
Molecular consequence: missense variant.
Genome position (GRCh38, 1-based): chr9:128,907,607, G>A. VCF-style: chr9-128907607-G-A. GRCh37 (hg19) VCF-style: chr9-131669886-G-A.
Other names: c.443G>A, p.Arg148His (NM_001127244.2, NM_001127245.2); short protein forms R148H.
Identifiers: ClinVar variation 1926302 (VCV001926302.6), dbSNP rs921116669, ClinGen allele CA200414750.